The following is an entry in ClinVar:

NM_004304.5(ALK):c.1708G>C (p.Glu570Gln)

Gene: ALK (ALK receptor tyrosine kinase; minus strand). Cytogenetic location: 2p23.2.
Variant type: single nucleotide variant.
Coding change: c.1708G>C on transcript NM_004304.5 (MANE Select); coding-DNA position 1708, G replaced by C.
Protein change: p.Glu570Gln; replaces glutamic acid 570 with glutamine.
Molecular consequence: missense variant.
Genome position (GRCh38, 1-based): chr2:29,296,997, C>G on the plus strand (G>C on the coding strand, the complement: ALK is on the minus strand). VCF-style: chr2-29296997-C-G. GRCh37 (hg19) VCF-style: chr2-29519863-C-G.
Other names: short protein forms E570Q.
Identifiers: ClinVar variation 1778497 (VCV001778497.2), dbSNP rs1381135955, ClinGen allele CA346466410.

ClinVar aggregate classification (germline): Uncertain significance (1 of 4 stars; one submission).

Conditions:
Hereditary cancer-predisposing syndrome. Also called: Neoplastic Syndromes, Hereditary; Tumor predisposition; Hereditary Cancer Syndrome; Hereditary neoplastic syndrome. Identifiers: Orphanet 140162, MedGen C0027672, MeSH D009386, MONDO:0015356.

Submission:

Ambry Genetics
Classification: Uncertain significance for Hereditary cancer-predisposing syndrome. Last evaluated: 2022-07-19. Review status: criteria provided, single submitter. Criteria: Ambry Variant Classification Scheme 2023. Collection method: clinical testing. Allele origin: germline.
Comment: The p.E570Q variant (also known as c.1708G>C), located in coding exon 9 of the ALK gene, results from a G to C substitution at nucleotide position 1708. The glutamic acid at codon 570 is replaced by glutamine, an amino acid with highly similar properties. This amino acid position is conserved. In addition, this alteration is predicted to be tolerated by in silico analysis. Since supporting evidence is limited at this time, the clinical significance of this alteration remains unclear.